The following is an entry in ClinVar:

NM_006642.5(SDCCAG8):c.856T>C (p.Cys286Arg)

Gene: SDCCAG8 (SHH signaling and ciliogenesis regulator SDCCAG8; plus strand). Cytogenetic location: 1q43.
Variant type: single nucleotide variant.
Coding change: c.856T>C on transcript NM_006642.5 (MANE Select); coding-DNA position 856, T replaced by C.
Protein change: p.Cys286Arg; replaces cysteine 286 with arginine.
Molecular consequence: missense variant. On other transcripts: 5 prime UTR variant (3).
Genome position (GRCh38, 1-based): chr1:243,308,104, T>C. VCF-style: chr1-243308104-T-C. GRCh37 (hg19) VCF-style: chr1-243471406-T-C.
Other names: c.-48T>C (NM_001350246.2, NM_001350247.2, NM_001350251.2); c.952T>C, p.Cys318Arg (NM_001350248.2); c.562T>C, p.Cys188Arg (NM_001350249.2); short protein forms C286R, C318R, C188R.
Identifiers: ClinVar variation 5000784 (VCV005000784.1).

ClinVar aggregate classification (germline): Uncertain significance (1 of 4 stars; one submission).

Conditions:
SDCCAG8-related disorder. Also called: SDCCAG8-Related Disorders; SDCCAG8-related condition.

gnomAD v4.1: 1 of 1,614,220 alleles (0.000062%); no homozygotes.

Submission:

PreventionGenetics, part of Exact Sciences
Classification: Uncertain significance for SDCCAG8-related condition. Last evaluated: 2024-12-12. Review status: criteria provided, single submitter. Criteria: ACMG Guidelines, 2015. Collection method: clinical testing. Allele origin: germline.
Comment: The SDCCAG8 c.856T>C variant is predicted to result in the amino acid substitution p.Cys286Arg. To our knowledge, this variant has not been reported in the literature. This variant is reported in 0.00088% of alleles in individuals of European (Non-Finnish) descent in gnomAD. At this time, the clinical significance of this variant is uncertain due to the absence of conclusive functional and genetic evidence.